The following is an entry in ClinVar:

ClinVar aggregate classification (germline): Uncertain significance (1 of 4 stars; one submission).

Allele frequency attached by ClinVar (database versions not stated): gnomAD 0.00003; gnomAD exomes 0.00003; ExAC 0.00004.
gnomAD v4.1: 48 of 1,613,716 alleles (0.003%); highest among the groups gnomAD compares: East Asian, 0.025%; no homozygotes.

Submission:

Labcorp Genetics (formerly Invitae), Labcorp
Classification: Uncertain significance. Last evaluated: 2022-08-23. Review status: criteria provided, single submitter. Criteria: Invitae Variant Classification Sherloc (09022015). Collection method: clinical testing. Allele origin: germline.
Comment: This sequence change replaces glycine, which is neutral and non-polar, with serine, which is neutral and polar, at codon 10 of the ALAD protein (p.Gly10Ser). This variant is present in population databases (rs770350355, gnomAD 0.02%). This variant has not been reported in the literature in individuals affected with ALAD-related conditions. ClinVar contains an entry for this variant (Variation ID: 1420566). Algorithms developed to predict the effect of missense changes on protein structure and function are either unavailable or do not agree on the potential impact of this missense change (SIFT: "Tolerated"; PolyPhen-2: "Possibly Damaging"; Align-GVGD: "Class C0"). Algorithms developed to predict the effect of sequence changes on RNA splicing suggest that this variant may create or strengthen a splice site. In summary, the available evidence is currently insufficient to determine the role of this variant in disease. Therefore, it has been classified as a Variant of Uncertain Significance.

NM_000031.6(ALAD):c.28G>A (p.Gly10Ser)

Gene: ALAD (aminolevulinate dehydratase; minus strand). Cytogenetic location: 9q32.
Variant type: single nucleotide variant.
Coding change: c.28G>A on transcript NM_000031.6 (MANE Select); coding-DNA position 28, G replaced by A.
Protein change: p.Gly10Ser; replaces glycine 10 with serine.
Molecular consequence: missense variant. On other transcripts: 5 prime UTR variant (1).
Genome position (GRCh38, 1-based): chr9:113,393,532, C>T on the plus strand (G>A on the coding strand, the complement: ALAD is on the minus strand). VCF-style: chr9-113393532-C-T. GRCh37 (hg19) VCF-style: chr9-116155812-C-T.
Other names: c.-52G>A (NM_001003945.3); c.55G>A, p.Gly19Ser (NM_001317745.2); short protein forms G10S, G19S.
Identifiers: ClinVar variation 1420566 (VCV001420566.3), dbSNP rs770350355, ClinGen allele CA5196672.